The following is an entry in ClinVar:

NM_021083.4(XK):c.941_942delinsTC (p.Trp314Phe)

Gene: XK (X-linked Kx blood group antigen, Kell and VPS13A binding protein; plus strand). Cytogenetic location: Xp21.1.
Variant type: Indel.
Coding change: c.941_942delinsTC on transcript NM_021083.4 (MANE Select); coding-DNA positions 941 to 942, GG replaced by TC.
Protein change: p.Trp314Phe; replaces tryptophan 314 with phenylalanine.
Molecular consequence: missense variant.
Genome position (GRCh38, 1-based): chrX:37,728,068-37,728,069, GG replaced by TC. VCF-style: chrX-37728068-GG-TC. GRCh37 (hg19) VCF-style: chrX-37587321-GG-TC.
Other names: short protein forms W314F.
Identifiers: ClinVar variation 3768976 (VCV003768976.1).
Genomic context (GRCh38, chrX:37,728,068, plus strand): 5'-GCTGGTCTGCTGTACAGCTGAAAATTGACAGCCCTGACCTCATCAGCAAGTCCCATAATT[GG>TC]TACCAGCTACTGGTGTATTACATGATAAGATTCATCGAGAATGCCATCCTCCTCCTCCTG-3'
Protein context (NP_066569.1, residues 304-324): SPDLISKSHN[Trp314Phe]YQLLVYYMIR

ClinVar aggregate classification (germline): Uncertain significance (1 of 4 stars; one submission).

Submission:

Women's Health and Genetics/Laboratory Corporation of America, LabCorp
Classification: Uncertain significance. Last evaluated: 2025-02-19. Review status: criteria provided, single submitter. Criteria: LabCorp Variant Classification Summary - May 2015. Collection method: clinical testing. Allele origin: germline.
Comment: Variant summary: XK c.941_942delinsTC (p.Trp314Phe) results in a conservative amino acid change in the encoded protein sequence. Three of four in-silico tools predict a benign effect of the variant on protein function. The variant was absent in 183056 control chromosomes. The available data on variant occurrences in the general population are insufficient to allow any conclusion about variant significance. To our knowledge, no occurrence of c.941_942delinsTC in individuals affected with McLeod Neuroacanthocytosis Syndrome and no experimental evidence demonstrating its impact on protein function have been reported. No submitters have cited clinical-significance assessments for this variant to ClinVar. Based on the evidence outlined above, the variant was classified as uncertain significance.